The following is an entry in ClinVar:

ClinVar aggregate classification (germline): Uncertain significance. Review status: criteria provided, multiple submitters, no conflicts (2 of 4 stars). 3 submissions from 3 submitters: Uncertain significance (3). Last evaluated 2026-06-15.

Conditions:
Macrocephaly, dysmorphic facies, and psychomotor retardation (MDFPMR). Identifiers: Orphanet 457359, MedGen C4310766, MONDO:0014863, OMIM 617011.
Inborn genetic diseases. Identifiers: MedGen C0950123, MeSH D030342.

gnomAD v4.1: 31 of 1,612,464 alleles (0.0019%); highest among the groups gnomAD compares: African/African-American, 0.008%; no homozygotes.

Submissions (3):

Women's Health and Genetics/Laboratory Corporation of America, LabCorp
Classification: Uncertain significance. Last evaluated: 2026-06-15. Review status: criteria provided, single submitter. Criteria: LabCorp Variant Classification Summary - May 2015. Collection method: clinical testing. Allele origin: germline.
Comment: Variant summary: HERC1 c.4189C>T (p.Arg1397Cys) results in a non-conservative amino acid change in the encoded protein sequence. Algorithms developed to predict the effect of missense changes on protein structure and function are either unavailable or do not agree on the potential impact of this missense change. The variant allele was found at a frequency of 1.6e-05 in 246280 control chromosomes. The available data on variant occurrences in the general population are insufficient to allow any conclusion about variant significance. To our knowledge, no occurrence of c.4189C>T in individuals affected with HERC1-related conditions and no experimental evidence demonstrating its impact on protein function have been reported. ClinVar contains an entry for this variant (Variation ID: 2235131). Based on the evidence outlined above, the variant was classified as uncertain significance.

Neuberg Centre For Genomic Medicine, NCGM
Classification: Uncertain significance for Macrocephaly, dysmorphic facies, and psychomotor retardation. Last evaluated: 2023-02-14. Review status: criteria provided, single submitter. Criteria: ACMG Guidelines, 2015. Collection method: clinical testing. Allele origin: germline. Inheritance: Autosomal recessive inheritance. Affected: yes.
Comment: The missense c.4189C>T (p.Arg1397Cys) variant in HERC1 gene has not been reported previously as a pathogenic variant nor as a benign variant, to our knowledge. The p.Arg1397Cys variant is reported with an allele frequency of 0.002% in the gnomAD exomes database and is novel (not in any individuals) in 1000 Genomes database. This variant has not been reported to the ClinVar database. The amino acid change p.Arg1397Cys in HERC1 is predicted as conserved by GERP++ and PhyloP across 100 vertebrates. The amino acid Arg at position 1397 is changed to a Cys changing protein sequence and it might alter its composition and physico-chemical properties. For these reasons, this variant has been classified as a Variant of Uncertain Significance (VUS).

Ambry Genetics
Classification: Uncertain significance for Inborn genetic diseases. Last evaluated: 2021-07-06. Review status: criteria provided, single submitter. Criteria: Ambry Variant Classification Scheme 2023. Collection method: clinical testing. Allele origin: germline.

NM_003922.4(HERC1):c.4189C>T (p.Arg1397Cys)

Gene: HERC1 (HECT and RLD domain containing E3 ubiquitin protein ligase family member 1; minus strand). Cytogenetic location: 15q22.31.
Variant type: single nucleotide variant.
Coding change: c.4189C>T on transcript NM_003922.4 (MANE Select); coding-DNA position 4189, C replaced by T.
Protein change: p.Arg1397Cys; replaces arginine 1397 with cysteine.
Molecular consequence: missense variant.
Genome position (GRCh38, 1-based): chr15:63,713,627, G>A on the plus strand (C>T on the coding strand, the complement: HERC1 is on the minus strand). VCF-style: chr15-63713627-G-A. GRCh37 (hg19) VCF-style: chr15-64005826-G-A.
Other names: short protein forms R1397C.
Identifiers: ClinVar variation 2235131 (VCV002235131.4), dbSNP rs759913014, ClinGen allele CA7605852.